The following is an entry in ClinVar:

NM_005908.4(MANBA):c.2551C>T (p.Arg851Ter)

Gene: MANBA (mannosidase beta; minus strand). Cytogenetic location: 4q24.
Variant type: single nucleotide variant.
Coding change: c.2551C>T on transcript NM_005908.4 (MANE Select); coding-DNA position 2551, C replaced by T.
Protein change: p.Arg851Ter; replaces arginine 851 with a stop codon.
Molecular consequence: nonsense.
Genome position (GRCh38, 1-based): chr4:102,632,146, G>A on the plus strand (C>T on the coding strand, the complement: MANBA is on the minus strand). VCF-style: chr4-102632146-G-A. GRCh37 (hg19) VCF-style: chr4-103553303-G-A.
Other names: short protein forms R851*.
Identifiers: ClinVar variation 1441897 (VCV001441897.3), dbSNP rs200999022, ClinGen allele CA102709369.

ClinVar aggregate classification (germline): Uncertain significance (1 of 4 stars; one submission).

Conditions:
Beta-D-mannosidosis (MANSB). Also called: MANNOSIDOSIS, BETA A, LYSOSOMAL; BETA-MANNOSIDASE DEFICIENCY; LYSOSOMAL BETA-MANNOSIDASE DEFICIENCY; Beta-Mannosidosis. Identifiers: Orphanet 118, MedGen C4048196, MONDO:0009562, OMIM 248510.

gnomAD v4.1: 10 of 1,613,306 alleles (0.00062%); highest among the groups gnomAD compares: Non-Finnish European, 0.00085%; no homozygotes.

Submission:

Labcorp Genetics (formerly Invitae), Labcorp
Classification: Uncertain significance for Beta-D-mannosidosis. Last evaluated: 2021-12-02. Review status: criteria provided, single submitter. Criteria: Invitae Variant Classification Sherloc (09022015). Collection method: clinical testing. Allele origin: germline.
Comment: This sequence change creates a premature translational stop signal (p.Arg851*) in the MANBA gene. While this is not anticipated to result in nonsense mediated decay, it is expected to disrupt the last 29 amino acid(s) of the MANBA protein. This variant is not present in population databases (gnomAD no frequency). This variant has not been reported in the literature in individuals affected with MANBA-related conditions. Experimental studies and prediction algorithms are not available or were not evaluated, and the functional significance of this variant is currently unknown. In summary, the available evidence is currently insufficient to determine the role of this variant in disease. Therefore, it has been classified as a Variant of Uncertain Significance.